The following is an entry in ClinVar:

ClinVar aggregate classification (germline): Pathogenic (1 of 4 stars; one submission).

Conditions:
CHARGE syndrome (CHARGE). Also called: Hittner Hirsch Kreh syndrome; CHARGE ASSOCIATION--COLOBOMA, HEART ANOMALY, CHOANAL ATRESIA, RETARDATION, GENITAL AND EAR ANOMALIES; Coloboma, heart anomaly, choanal atresia, retardation, genital and ear anomalies; CHARGE association; Hall-Hittner syndrome. Identifiers: Orphanet 138, MedGen C0265354, MONDO:0008965.

Submission:

Labcorp Genetics (formerly Invitae), Labcorp
Classification: Pathogenic for CHARGE syndrome. Last evaluated: 2023-04-06. Review status: criteria provided, single submitter. Criteria: Invitae Variant Classification Sherloc (09022015). Collection method: clinical testing. Allele origin: unknown.
Comment: For these reasons, this variant has been classified as Pathogenic. This variant has not been reported in the literature in individuals affected with CHD7-related conditions. This variant is a gross deletion of the genomic region encompassing exon(s) 7 of the CHD7 gene. This deletion is out-of-frame, and is expected to create a premature termination codon and result in an absent or disrupted protein product. Loss-of-function variants in CHD7 are known to be pathogenic (PMID: 22461308, 25077900).

Literature cited by the submitters: PubMed 22461308; PubMed 25077900.

NC_000008.10:g.(?_61720756)_(61720851_?)del

Gene: CHD7 (chromodomain helicase DNA binding protein 7; plus strand). Cytogenetic location: 8q12.2.
Variant type: Deletion.
Identifiers: ClinVar variation 3245490 (VCV003245490.1).